The following is an entry in ClinVar:

ClinVar aggregate classification (germline): Likely benign. Review status: criteria provided, multiple submitters, no conflicts (2 of 4 stars). 3 submissions from 3 submitters: Likely benign (2). 1 of the submissions does not count toward it. Last evaluated 2026-01-22.

Conditions:
MKKS-related disorder. Also called: MKKS-related condition; MKKS-related disorders.
Bardet-Biedl syndrome (BBS). Identifiers: Orphanet 110, MedGen C0752166, MONDO:0015229.
McKusick-Kaufman syndrome (MKKS). Also called: HYDROMETROCOLPOS SYNDROME; HYDROMETROCOLPOS, POSTAXIAL POLYDACTYLY, AND CONGENITAL HEART MALFORMATION. Identifiers: Orphanet 2473, MedGen C0948368, MONDO:0009367, OMIM 236700.

Allele frequency attached by ClinVar (database versions not stated): gnomAD 0.00010; TOPMed 0.00018; ESP Exome Variant Server 0.00023.
gnomAD v4.1: 115 of 1,613,136 alleles (0.0071%); highest among the groups gnomAD compares: African/African-American, 0.084%; no homozygotes.

Submissions (3):

Labcorp Genetics (formerly Invitae), Labcorp
Classification: Likely benign for McKusick-Kaufman syndrome; Bardet-Biedl syndrome. Last evaluated: 2026-01-22. Review status: criteria provided, single submitter. Criteria: Invitae Variant Classification Sherloc (09022015). Collection method: clinical testing. Allele origin: germline.

Blueprint Genetics
Classification: Likely benign. Last evaluated: 2024-06-12. Review status: criteria provided, single submitter. Criteria: ACMG Guidelines, 2015. Collection method: clinical testing. Allele origin: germline.

PreventionGenetics, part of Exact Sciences
Classification: Likely benign for MKKS-related condition. Last evaluated: 2023-11-30. Review status: no assertion criteria provided. Collection method: clinical testing. Allele origin: germline. Not counted in ClinVar's aggregate classification.
Comment: This variant is classified as likely benign based on ACMG/AMP sequence variant interpretation guidelines (Richards et al. 2015 PMID: 25741868, with internal and published modifications).

NM_170784.3(MKKS):c.1167G>A (p.Thr389=)

Gene: MKKS (MKKS centrosomal shuttling protein; minus strand). Cytogenetic location: 20p12.2.
Variant type: single nucleotide variant.
Coding change: c.1167G>A on transcript NM_170784.3 (MANE Select); coding-DNA position 1167, G replaced by A.
Protein change: p.Thr389=; no amino-acid change (threonine 389 retained).
Molecular consequence: synonymous variant. On other transcripts: non-coding transcript variant (1).
Genome position (GRCh38, 1-based): chr20:10,407,721, C>T on the plus strand (G>A on the coding strand, the complement: MKKS is on the minus strand). VCF-style: chr20-10407721-C-T. GRCh37 (hg19) VCF-style: chr20-10388369-C-T.
Other names: c.1167G>A, p.Thr389= (NM_018848.3).
Identifiers: ClinVar variation 697887 (VCV000697887.12), dbSNP rs367980245, ClinGen allele CA9763535.
Genomic context (GRCh38, chr20:10,407,721, plus strand): 5'-TCCCAACAAAGCCCATGGTTCCTTGAGTGTTAACTGCAGGACATGCAGTGCCGTCTGACA[C>T]GTGAGCTAAGAAAAAACCCAAATCATCAGAATCAGACGTTCACATCATATTAACACACAA-3'
Protein context (NP_740754.1, residues 379-399): NDTAWDELKL[Thr389=]CQTALHVLQL